The following is an entry in ClinVar:

NM_002458.3(MUC5B):c.3354G>A (p.Ser1118=)

Gene: MUC5B (mucin 5B, oligomeric mucus/gel-forming; plus strand). Cytogenetic location: 11p15.5.
Variant type: single nucleotide variant.
Coding change: c.3354G>A on transcript NM_002458.3 (MANE Select); coding-DNA position 3354, G replaced by A.
Protein change: p.Ser1118=; no amino-acid change (serine 1118 retained).
Molecular consequence: synonymous variant.
Genome position (GRCh38, 1-based): chr11:1,238,927, G>A. VCF-style: chr11-1238927-G-A. GRCh37 (hg19) VCF-style: chr11-1260157-G-A.
Identifiers: ClinVar variation 4820859 (VCV004820859.4).

ClinVar aggregate classification (germline): Likely benign (1 of 4 stars; one submission).

gnomAD v4.1: 996 of 1,573,344 alleles (0.063%); highest among the groups gnomAD compares: African/African-American, 0.81%; 11 homozygotes.

Submission:

CeGaT Center for Human Genetics Tuebingen
Classification: Likely benign. Last evaluated: 2026-03-01. Review status: criteria provided, single submitter. Criteria: CeGaT Center For Human Genetics Tuebingen Variant Classification Criteria Version 2. Collection method: clinical testing. Allele origin: germline. Affected: yes. Observed: 1 variant allele.
Comment: MUC5B: BP4, BP7